The following is an entry in ClinVar:

NM_001374623.1(PNPLA1):c.1469C>T (p.Thr490Met)

Gene: PNPLA1 (patatin like domain 1, omega-hydroxyceramide transacylase; plus strand). Cytogenetic location: 6p21.31.
Variant type: single nucleotide variant.
Coding change: c.1469C>T on transcript NM_001374623.1 (MANE Select); coding-DNA position 1469, C replaced by T.
Protein change: p.Thr490Met; replaces threonine 490 with methionine.
Molecular consequence: missense variant.
Genome position (GRCh38, 1-based): chr6:36,306,376, C>T. VCF-style: chr6-36306376-C-T. GRCh37 (hg19) VCF-style: chr6-36274153-C-T.
Other names: c.1469C>T, p.Thr490Met (NM_001145717.1); c.1211C>T, p.Thr404Met (NM_001145716.2); c.1184C>T, p.Thr395Met (NM_173676.2); short protein forms T395M, T490M, T404M.
Identifiers: ClinVar variation 257570 (VCV000257570.16), dbSNP rs12197079, ClinGen allele CA3778032.

ClinVar aggregate classification (germline): Benign. Review status: criteria provided, multiple submitters, no conflicts (2 of 4 stars). 5 submissions from 5 submitters: Benign (5). Last evaluated 2026-02-04.

Conditions:
Autosomal recessive congenital ichthyosis 10 (ARCI10). Identifiers: Orphanet 79394, MedGen C3554355, MONDO:0014011, OMIM 615024.

Allele frequency attached by ClinVar (database versions not stated): gnomAD exomes 0.25814; ESP Exome Variant Server 0.29717; gnomAD 0.28367 and 0.28772; 1000 Genomes Project 30x 0.24282; TOPMed 0.27893; 1000 Genomes Project 0.24042; ExAC 0.26315.

Submissions (5):

Labcorp Genetics (formerly Invitae), Labcorp
Classification: Benign. Last evaluated: 2026-02-04. Review status: criteria provided, single submitter. Criteria: Invitae Variant Classification Sherloc (09022015). Collection method: clinical testing. Allele origin: germline.

Genome-Nilou Lab
Classification: Benign for Autosomal recessive congenital ichthyosis 10. Last evaluated: 2021-10-25. Review status: criteria provided, single submitter. Criteria: ACMG Guidelines, 2015. Collection method: clinical testing. Allele origin: germline. Affected: no.

GeneDx
Classification: Benign. Last evaluated: 2018-11-12. Review status: criteria provided, single submitter. Criteria: GeneDx Variant Classification Process June 2021. Collection method: clinical testing. Allele origin: germline. Affected: yes.

Illumina Laboratory Services, Illumina
Classification: Benign for Autosomal recessive congenital ichthyosis 10. Last evaluated: 2018-01-13. Review status: criteria provided, single submitter. Criteria: ICSL Variant Classification Criteria 13 December 2019. Collection method: clinical testing. Allele origin: germline.
Comment: This variant was observed in the ICSL laboratory as part of a predisposition screen in an ostensibly healthy population. It had not been previously curated by ICSL or reported in the Human Gene Mutation Database (HGMD: prior to June 1st, 2018), and was therefore a candidate for classification through an automated scoring system. Utilizing variant allele frequency, disease prevalence and penetrance estimates, and inheritance mode, an automated score was calculated to assess if this variant is too frequent to cause the disease. Based on the score and internal cut-off values, a variant classified as benign is not then subjected to further curation. The score for this variant resulted in a classification of benign for this disease.

PreventionGenetics, part of Exact Sciences
Classification: Benign. Review status: criteria provided, single submitter. Criteria: ACMG Guidelines, 2015. Collection method: clinical testing. Allele origin: germline.